The following is an entry in ClinVar:

NM_014712.3(SETD1A):c.2934GGA[1] (p.Glu979del)

Gene: SETD1A (SET domain containing 1A, histone lysine methyltransferase; plus strand). Cytogenetic location: 16p11.2.
Variant type: Microsatellite.
Coding change: c.2934GGA[1] on transcript NM_014712.3 (MANE Select); one copy of the 3-base unit GGA starting at c.2934; the reference has two copies in a row; one copy, 3 bases deleted.
Protein change: p.Glu979del; deletes glutamic acid 979.
Genome position (GRCh38, 1-based): chr16:30,969,610-30,969,612, GGA deleted; deleting any 3 consecutive bases within chr16:30,969,605-30,969,612 gives the same sequence; the position shown is the placement nearest the transcript's 3' end. VCF-style (leftmost placement, unchanged base first): chr16-30969604-TGAG-T. GRCh37 (hg19) VCF-style: chr16-30980925-TGAG-T.
Other names: short protein forms E979del.
Identifiers: ClinVar variation 3440152 (VCV003440152.1).
Genomic context (GRCh38, chr16:30,969,604, plus strand): 5'-CCTGGTGTAGGACCAGTTGTCCCCTTCCTGTTAGTCCTCATTTGTCTTTTTTCTTAAGGA[TGAG>T]GAGGATGACGAGGAAGATGAGGAAGATGAAGATCGAGAGGAAGCTGTGGATACCACAAAG-3'

ClinVar aggregate classification (germline): Uncertain significance (1 of 4 stars; one submission).

Conditions:
Inborn genetic diseases. Identifiers: MedGen C0950123, MeSH D030342.

Submission:

Ambry Genetics
Classification: Uncertain significance for Inborn genetic diseases. Last evaluated: 2024-07-08. Review status: criteria provided, single submitter. Criteria: Ambry Variant Classification Scheme 2023. Collection method: clinical testing. Allele origin: germline.
Comment: The c.2937_2939delGGA (p.E979del) alteration is located in exon 12 (coding exon 11) of the SETD1A gene. This alteration consists of an in-frame deletion of 3 nucleotides between nucleotide positions c.2937 and c.2939, resulting in the deletion of 1 residue. Based on insufficient or conflicting evidence, the clinical significance of this alteration remains unclear.